The following is an entry in ClinVar:

NM_001851.6(COL9A1):c.1072G>A (p.Gly358Ser)

Gene: COL9A1 (collagen type IX alpha 1 chain; minus strand). Cytogenetic location: 6q13.
Variant type: single nucleotide variant.
Coding change: c.1072G>A on transcript NM_001851.6 (MANE Select); coding-DNA position 1072, G replaced by A.
Protein change: p.Gly358Ser; replaces glycine 358 with serine.
Molecular consequence: missense variant. On other transcripts: non-coding transcript variant (1).
Genome position (GRCh38, 1-based): chr6:70,272,082, C>T on the plus strand (G>A on the coding strand, the complement: COL9A1 is on the minus strand). VCF-style: chr6-70272082-C-T. GRCh37 (hg19) VCF-style: chr6-70981785-C-T.
Other names: c.343G>A, p.Gly115Ser (NM_001377289.1, NM_001377290.1, NM_078485.4); short protein forms G115S, G358S.
Identifiers: ClinVar variation 4526969 (VCV004526969.1).

ClinVar aggregate classification (germline): Uncertain significance (1 of 4 stars; one submission).

gnomAD v4.1: 11 of 1,611,538 alleles (0.00068%); highest among the groups gnomAD compares: African/African-American, 0.0054%; no homozygotes.

Submission:

GeneDx
Classification: Uncertain significance. Last evaluated: 2025-04-25. Review status: criteria provided, single submitter. Criteria: GeneDx Variant Classification Process June 2021. Collection method: clinical testing. Allele origin: germline. Affected: yes.
Comment: Not observed at significant frequency in large population cohorts (gnomAD); In silico analysis supports that this missense variant has a deleterious effect on protein structure/function; Has not been previously published as pathogenic or benign to our knowledge